The following is an entry in ClinVar:

NM_001008537.3(NEXMIF):c.2478_2479dup (p.Asn827fs)

Gene: NEXMIF (neurite extension and migration factor; minus strand). Cytogenetic location: Xq13.3.
Variant type: Duplication.
Coding change: c.2478_2479dup on transcript NM_001008537.3 (MANE Select); coding-DNA positions 2478 to 2479, 2 bases duplicated (TA; older notation c.2478_2479dupTA).
Protein change: p.Asn827fs; shifts the reading frame from asparagine 827.
Molecular consequence: frameshift variant.
Genome position (GRCh38, 1-based): chrX:74,742,078-74,742,079, TA duplicated on the plus strand (TA on the coding strand, the reverse complement: NEXMIF is on the minus strand); duplicating any 2 consecutive bases within chrX:74,742,078-74,742,080 gives the same sequence; the c. name uses the placement nearest the transcript's 3' end. VCF-style (leftmost placement, unchanged base first): chrX-74742077-T-TTA. GRCh37 (hg19) VCF-style: chrX-73961912-T-TTA.
Other names: short protein forms N827fs.
Identifiers: ClinVar variation 2016194 (VCV002016194.4), dbSNP rs2519913851, ClinGen allele CA2580101497.

ClinVar aggregate classification (germline): Pathogenic (1 of 4 stars; one submission).

Submission:

Labcorp Genetics (formerly Invitae), Labcorp
Classification: Pathogenic. Last evaluated: 2022-07-11. Review status: criteria provided, single submitter. Criteria: Invitae Variant Classification Sherloc (09022015). Collection method: clinical testing. Allele origin: germline.
Comment: This sequence change creates a premature translational stop signal (p.Asn827Ilefs*83) in the NEXMIF gene. It is expected to result in an absent or disrupted protein product. Loss-of-function variants in NEXMIF are known to be pathogenic (PMID: 23615299). For these reasons, this variant has been classified as Pathogenic. This variant has not been reported in the literature in individuals affected with NEXMIF-related conditions. This variant is not present in population databases (gnomAD no frequency).

Literature cited by the submitters: PubMed 23615299.